The following is an entry in ClinVar:

ClinVar aggregate classification (germline): Likely pathogenic (1 of 4 stars; one submission).

Conditions:
Nystagmus, congenital, autosomal recessive. Identifiers: MedGen C3151571, MONDO:0009762, OMIM 257400.
Neurooculorenal syndrome (NORS). Identifiers: MedGen C5830377, MONDO:0957210, OMIM 620305.

Submission:

First Genomix Gene Laboratory, Genetic Diagnostics Department
Classification: Likely pathogenic for Nystagmus, congenital, autosomal recessive; Neurooculorenal syndrome. Last evaluated: 2025-03-18. Review status: criteria provided, single submitter. Criteria: ACMG Guidelines, 2015. Collection method: clinical testing. Allele origin: germline. Inheritance: Autosomal recessive inheritance. Affected: no. Observed: 1 variant allele.

NM_002941.4(ROBO1):c.1111C>T (p.Gln371Ter)

Gene: ROBO1 (roundabout guidance receptor 1; minus strand). Cytogenetic location: 3p12.3.
Variant type: single nucleotide variant.
Coding change: c.1111C>T on transcript NM_002941.4 (MANE Select); coding-DNA position 1111, C replaced by T.
Protein change: p.Gln371Ter; replaces glutamine 371 with a stop codon.
Molecular consequence: nonsense.
Genome position (GRCh38, 1-based): chr3:78,688,707, G>A on the plus strand (C>T on the coding strand, the complement: ROBO1 is on the minus strand). VCF-style: chr3-78688707-G-A. GRCh37 (hg19) VCF-style: chr3-78737857-G-A.
Other names: c.1003C>T, p.Gln335Ter (NM_001145845.2, NM_133631.4); short protein forms Q335*, Q371*.
Identifiers: ClinVar variation 4845871 (VCV004845871.1).